The following is an entry in ClinVar:

ClinVar aggregate classification (germline): Uncertain significance (1 of 4 stars; one submission).

Conditions:
Usher syndrome type 1 (USH1). Also called: RETINITIS PIGMENTOSA AND CONGENITAL DEAFNESS. Identifiers: Orphanet 231169, Orphanet 886, MedGen C1568247, MONDO:0010168, OMIM 276900.

Submission:

Myriad Genetics, Inc.
Classification: Uncertain significance for Usher syndrome type 1. Last evaluated: 2025-08-05. Review status: criteria provided, single submitter. Criteria: Myriad Autosomal Dominant, Autosomal Recessive and X-Linked Classification Criteria (2023). Collection method: clinical testing. Allele origin: unknown.
Comment: NM_000260.3(MYO7A):c.3766_3768delAAG(K1256del) is an in-frame deletion classified as a variant of uncertain significance in the context of MYO7A-related disorders. K1256del has not been observed in cases with relevant disease. Relevant functional assessments of this variant are not available in the literature. K1256del has not been observed in referenced population frequency databases. In summary, there is insufficient evidence to classify NM_000260.3(MYO7A):c.3766_3768delAAG(K1256del) as pathogenic or benign. Please note: this variant was assessed in the context of healthy population screening.

NM_000260.4(MYO7A):c.3763AAG[1] (p.Lys1256del)

Gene: MYO7A (myosin VIIA; plus strand). Cytogenetic location: 11q13.5.
Variant type: Microsatellite.
Coding change: c.3763AAG[1] on transcript NM_000260.4 (MANE Select); one copy of the 3-base unit AAG starting at c.3763; the reference has two copies in a row; one copy, 3 bases deleted.
Protein change: p.Lys1256del; deletes lysine 1256.
Molecular consequence: inframe deletion.
Genome position (GRCh38, 1-based): chr11:77,190,712-77,190,714, AAG deleted; deleting any 3 consecutive bases within chr11:77,190,709-77,190,714 gives the same sequence; the position shown is the placement nearest the transcript's 3' end. VCF-style (leftmost placement, unchanged base first): chr11-77190708-CAAG-C. GRCh37 (hg19) VCF-style: chr11-76901753-CAAG-C.
Other names: c.3763AAG[1], p.Lys1256del (NM_001127180.2); c.3730AAG[1], p.Lys1245del (NM_001369365.1); short protein forms K1256del, K1245del.
Identifiers: ClinVar variation 5004088 (VCV005004088.1).